The following is an entry in ClinVar:

ClinVar aggregate classification (germline): Uncertain significance (1 of 4 stars; one submission).

Submission:

Labcorp Genetics (formerly Invitae), Labcorp
Classification: Uncertain significance. Last evaluated: 2022-05-19. Review status: criteria provided, single submitter. Criteria: Invitae Variant Classification Sherloc (09022015). Collection method: clinical testing. Allele origin: germline.
Comment: In summary, the available evidence is currently insufficient to determine the role of this variant in disease. Therefore, it has been classified as a Variant of Uncertain Significance. Algorithms developed to predict the effect of missense changes on protein structure and function are either unavailable or do not agree on the potential impact of this missense change (SIFT: "Deleterious"; PolyPhen-2: "Not Available"; Align-GVGD: "Class C0"). This variant has not been reported in the literature in individuals affected with PTPN23-related conditions. This variant is not present in population databases (gnomAD no frequency). This sequence change replaces leucine, which is neutral and non-polar, with arginine, which is basic and polar, at codon 540 of the PTPN23 protein (p.Leu540Arg).

NM_015466.4(PTPN23):c.1619T>G (p.Leu540Arg)

Gene: PTPN23 (protein tyrosine phosphatase non-receptor type 23; plus strand). Cytogenetic location: 3p21.31.
Variant type: single nucleotide variant.
Coding change: c.1619T>G on transcript NM_015466.4 (MANE Select); coding-DNA position 1619, T replaced by G.
Protein change: p.Leu540Arg; replaces leucine 540 with arginine.
Molecular consequence: missense variant.
Genome position (GRCh38, 1-based): chr3:47,409,064, T>G. VCF-style: chr3-47409064-T-G. GRCh37 (hg19) VCF-style: chr3-47450554-T-G.
Other names: c.1241T>G, p.Leu414Arg (NM_001304482.2); short protein forms L414R, L540R.
Identifiers: ClinVar variation 1996452 (VCV001996452.4), dbSNP rs2546246860, ClinGen allele CA352554430.